The following is an entry in ClinVar:

NM_002734.5(PRKAR1A):c.659A>G (p.Asn220Ser)

Gene: PRKAR1A (protein kinase cAMP-dependent type I regulatory subunit alpha; plus strand). Cytogenetic location: 17q24.2.
Variant type: single nucleotide variant.
Coding change: c.659A>G on transcript NM_002734.5 (MANE Select); coding-DNA position 659, A replaced by G.
Protein change: p.Asn220Ser; replaces asparagine 220 with serine.
Molecular consequence: missense variant.
Genome position (GRCh38, 1-based): chr17:68,525,863, A>G. VCF-style: chr17-68525863-A-G. GRCh37 (hg19) VCF-style: chr17-66522004-A-G.
Other names: c.659A>G, p.Asn220Ser (NM_001276289.2, NM_001276290.1, NM_001278433.2 and 4 more transcripts); short protein forms N220S.
Identifiers: ClinVar variation 4825739 (VCV004825739.1).

ClinVar aggregate classification (germline): Uncertain significance (1 of 4 stars; one submission).

Conditions:
Hereditary cancer-predisposing syndrome. Also called: Neoplastic Syndromes, Hereditary; Tumor predisposition; Hereditary Cancer Syndrome; Hereditary neoplastic syndrome. Identifiers: Orphanet 140162, MedGen C0027672, MeSH D009386, MONDO:0015356.

Submission:

Ambry Genetics
Classification: Uncertain significance for Hereditary cancer-predisposing syndrome. Last evaluated: 2026-02-23. Review status: criteria provided, single submitter. Criteria: Ambry Variant Classification Scheme 2023. Collection method: clinical testing. Allele origin: germline.
Comment: The p.N220S variant (also known as c.659A>G), located in coding exon 6 of the PRKAR1A gene, results from an A to G substitution at nucleotide position 659. The asparagine at codon 220 is replaced by serine, an amino acid with highly similar properties. This amino acid position is conserved. In addition, the in silico prediction for this alteration is inconclusive. Based on the available evidence, the clinical significance of this variant remains unclear.